The following is an entry in ClinVar:

ClinVar aggregate classification (germline): Uncertain significance (1 of 4 stars; one submission).

Allele frequency attached by ClinVar (database versions not stated): gnomAD 0.00001; gnomAD exomes below 0.00001; ExAC 0.00001.
gnomAD v4.1: 6 of 1,614,076 alleles (0.00037%); highest among the groups gnomAD compares: African/African-American, 0.004%; no homozygotes.

Submission:

GeneDx
Classification: Uncertain significance. Last evaluated: 2020-01-07. Review status: criteria provided, single submitter. Criteria: GeneDx Variant Classification Process June 2021. Collection method: clinical testing. Allele origin: germline. Affected: yes.
Comment: Not observed in large population cohorts (Lek et al., 2016); In silico analysis, which includes protein predictors and evolutionary conservation, supports that this variant does not alter protein structure/function; Has not been previously published as pathogenic or benign to our knowledge

NM_001038603.3(MARVELD2):c.887T>G (p.Ile296Ser)

Gene: MARVELD2 (MARVEL domain containing 2; plus strand). Cytogenetic location: 5q13.2.
Variant type: single nucleotide variant.
Coding change: c.887T>G on transcript NM_001038603.3 (MANE Select); coding-DNA position 887, T replaced by G.
Protein change: p.Ile296Ser; replaces isoleucine 296 with serine.
Molecular consequence: missense variant.
Genome position (GRCh38, 1-based): chr5:69,420,272, T>G. VCF-style: chr5-69420272-T-G. GRCh37 (hg19) VCF-style: chr5-68716099-T-G.
Other names: c.887T>G, p.Ile296Ser (NM_001244734.2); short protein forms I296S.
Identifiers: ClinVar variation 1311875 (VCV001311875.2), dbSNP rs767883111, ClinGen allele CA3294133.